The following is an entry in ClinVar:

NM_000051.4(ATM):c.1062_1065+5del

Gene: ATM (ATM serine/threonine kinase; plus strand). Cytogenetic location: 11q22.3.
Variant type: Deletion.
Coding change: c.1062_1065+5del on transcript NM_000051.4 (MANE Select); coding-DNA position 1062 through 5 bases into the intron after coding-DNA position 1065, 9 bases deleted (CCAGGTACA; older notation c.1062_1065+5delCCAGGTACA).
Molecular consequence: splice donor variant.
Genome position (GRCh38, 1-based): chr11:108,247,124-108,247,132, CCAGGTACA deleted; deleting any 9 consecutive bases within chr11:108,247,122-108,247,132 gives the same sequence; the c. name uses the placement nearest the transcript's 3' end. VCF-style (leftmost placement, unchanged base first): chr11-108247121-TCACCAGGTA-T. GRCh37 (hg19) VCF-style: chr11-108117848-TCACCAGGTA-T.
Other names: c.1062_1065+5del (NM_001351834.2).
Identifiers: ClinVar variation 3148515 (VCV003148515.1), dbSNP rs2497183449, ClinGen allele CA2825001764.

ClinVar aggregate classification (germline): Likely pathogenic (1 of 4 stars; one submission).

Conditions:
Familial cancer of breast. Also called: BREAST CANCER, FAMILIAL; Hereditary breast cancer; hereditary breast carcinoma. Identifiers: Orphanet 227535, MedGen C0346153, MONDO:0016419, OMIM 114480. Disease mechanism: loss of function.

Submission:

Myriad Genetics, Inc.
Classification: Likely pathogenic for Familial cancer of breast. Last evaluated: 2024-01-11. Review status: criteria provided, single submitter. Criteria: Myriad Autosomal Dominant, Autosomal Recessive and X-Linked Classification Criteria (2023). Collection method: clinical testing. Allele origin: unknown.
Comment: This variant is considered likely pathogenic. This variant occurs within a consensus splice junction and is predicted to result in abnormal mRNA splicing of either an out-of-frame exon or an in-frame exon necessary for protein stability and/or normal function.